The following is an entry in ClinVar:

ClinVar aggregate classification (germline): Conflicting classifications of pathogenicity. Review status: criteria provided, conflicting classifications (1 of 4 stars). 2 submissions from 2 submitters: Uncertain significance (1); Likely benign (1). Last evaluated 2025-01-10.

Conditions:
Inborn genetic diseases. Identifiers: MedGen C0950123, MeSH D030342.
Left ventricular noncompaction 8 (LVNC8). Identifiers: Orphanet 154, Orphanet 54260, MedGen C3809288, MONDO:0014152, OMIM 615373.

Allele frequency attached by ClinVar (database versions not stated): gnomAD exomes below 0.00001.
gnomAD v4.1: 2 of 1,613,556 alleles (0.00012%); highest among the groups gnomAD compares: Non-Finnish European, 0.00017%; no homozygotes.

Submissions (2):

Ambry Genetics
Classification: Likely benign for Inborn genetic diseases. Last evaluated: 2025-01-10. Review status: criteria provided, single submitter. Criteria: Ambry Variant Classification Scheme 2023. Collection method: clinical testing. Allele origin: germline.

Labcorp Genetics (formerly Invitae), Labcorp
Classification: Uncertain significance for Left ventricular noncompaction 8. Last evaluated: 2022-03-09. Review status: criteria provided, single submitter. Criteria: Invitae Variant Classification Sherloc (09022015). Collection method: clinical testing. Allele origin: germline.
Comment: In summary, the available evidence is currently insufficient to determine the role of this variant in disease. Therefore, it has been classified as a Variant of Uncertain Significance. Algorithms developed to predict the effect of missense changes on protein structure and function output the following: SIFT: "Tolerated"; PolyPhen-2: "Benign"; Align-GVGD: "Class C0". The valine amino acid residue is found in multiple mammalian species, which suggests that this missense change does not adversely affect protein function. ClinVar contains an entry for this variant (Variation ID: 541377). This variant has not been reported in the literature in individuals affected with PRDM16-related conditions. This variant is not present in population databases (gnomAD no frequency). This sequence change replaces isoleucine, which is neutral and non-polar, with valine, which is neutral and non-polar, at codon 302 of the PRDM16 protein (p.Ile302Val).

NM_022114.4(PRDM16):c.904A>G (p.Ile302Val)

Gene: PRDM16 (PR/SET domain 16; plus strand). Cytogenetic location: 1p36.32.
Variant type: single nucleotide variant.
Coding change: c.904A>G on transcript NM_022114.4 (MANE Select); coding-DNA position 904, A replaced by G.
Protein change: p.Ile302Val; replaces isoleucine 302 with valine.
Molecular consequence: missense variant.
Genome position (GRCh38, 1-based): chr1:3,404,758, A>G. VCF-style: chr1-3404758-A-G. GRCh37 (hg19) VCF-style: chr1-3321322-A-G.
Other names: c.904A>G, p.Ile302Val (NM_199454.3); short protein forms I302V.
Identifiers: ClinVar variation 541377 (VCV000541377.10), dbSNP rs1553174650, ClinGen allele CA338004522.
Genomic context (GRCh38, chr1:3,404,758, plus strand): 5'-CAGGTAGTCGGGCCCCGCAGTGAGCCTCGTCCTCTGCGCAGCCTGGAGCAGCACATGGTC[A>G]TCCACACGGAGGAGCGCGAGTACAAATGCGACCAGTGTCCCAAGGCCTTCAACTGGAAGT-3'
Protein context (NP_071397.3, residues 292-312): NKYSLEQHMV[Ile302Val]HTEEREYKCD